The following is an entry in ClinVar:

ClinVar aggregate classification (germline): Uncertain significance. Review status: criteria provided, multiple submitters, no conflicts (2 of 4 stars). 2 submissions from 2 submitters: Uncertain significance (2). Last evaluated 2024-08-13.

Conditions:
Malignant hyperthermia, susceptibility to, 1 (MHS1). Also called: Anesthesia related hyperthermia; Malignant hyperpyrexia; Fulminating hyperpyrexia; Pharmacogenic myopathy; Malignant hyperthermia suceptibility 1; RYR1-Related Malignant Hyperthermia Susceptibility. Identifiers: Orphanet 423, MedGen C2930980, MONDO:0007783, OMIM 145600.
RYR1-related disorder. Also called: RYR1-related condition; RYR1-related disorders. Identifiers: MedGen CN239331.

Allele frequency attached by ClinVar (database versions not stated): gnomAD exomes below 0.00001; ExAC 0.00001; TOPMed 0.00002; gnomAD 0.00003.

Submissions (2):

All of Us Research Program, National Institutes of Health
Classification: Uncertain significance for Malignant hyperthermia, susceptibility to, 1. Last evaluated: 2024-08-13. Review status: criteria provided, single submitter. Criteria: ACMG Guidelines, 2015. Collection method: clinical testing. Allele origin: germline. Inheritance: Autosomal dominant inheritance. Observed: 1 variant allele, 1 heterozygote.
Comment: This variant causes the duplication of one nucleotide at the +2 position of intron 90 in the RYR1 gene. Splice site prediction tools suggest that this variant may have a significant impact on RNA splicing. Although this prediction has not been confirmed in published RNA studies, this variant is expected to result in an absent or disrupted protein product. This variant has not been reported in individuals affected with RYR1-related disorders in the literature. This variant has been identified in 3/272556 chromosomes in the general population by the Genome Aggregation Database (gnomAD). Loss of RYR1 function due to haploinsufficiency is associated with congenital myopathy, but it is not an established disease mechanism for autosomal dominant malignant hyperthermia susceptibility. Due to insufficient evidence, this variant is classified as a Variant of Uncertain Significance for autosomal dominant malignant hyperthermia.

This study involves interpretation of variants in research participants for the purpose of population health screening. Participant phenotype was not available at the time of variant classification. Additional details can be found in publication PMID: 35346344, PMCID: PMC8962531

Labcorp Genetics (formerly Invitae), Labcorp
Classification: Uncertain significance for RYR1-related disorder. Last evaluated: 2024-01-09. Review status: criteria provided, single submitter. Criteria: Invitae Variant Classification Sherloc (09022015). Collection method: clinical testing. Allele origin: germline.
Comment: This sequence change falls in intron 90 of the RYR1 gene. It does not directly change the encoded amino acid sequence of the RYR1 protein. It affects a nucleotide within the consensus splice site. This variant is present in population databases (rs772165973, gnomAD 0.01%). This variant has not been reported in the literature in individuals affected with RYR1-related conditions. Variants that disrupt the consensus splice site are a relatively common cause of aberrant splicing (PMID: 17576681, 9536098). Algorithms developed to predict the effect of sequence changes on RNA splicing suggest that this variant may disrupt the consensus splice site. In summary, the available evidence is currently insufficient to determine the role of this variant in disease. Therefore, it has been classified as a Variant of Uncertain Significance.

Literature cited by the submitters: PubMed 17576681 (cited by Labcorp Genetics (formerly Invitae), Labcorp); PubMed 9536098 (cited by Labcorp Genetics (formerly Invitae), Labcorp).

NM_000540.3(RYR1):c.12624+2dup

Gene: RYR1 (ryanodine receptor 1; plus strand). Cytogenetic location: 19q13.2.
Variant type: Duplication.
Coding change: c.12624+2dup on transcript NM_000540.3 (MANE Select); the canonical splice donor site of the intron after coding-DNA position 12624, one base duplicated (T; older notation c.12624+2dupT).
Molecular consequence: splice donor variant.
Genome position (GRCh38, 1-based): chr19:38,561,456, T duplicated. VCF-style (leftmost placement, unchanged base first): chr19-38561455-G-GT. GRCh37 (hg19) VCF-style: chr19-39052095-G-GT.
Other names: c.12609+2dup (NM_001042723.2).
Identifiers: ClinVar variation 2717493 (VCV002717493.3), dbSNP rs772165973, ClinGen allele CA9415937.